The following is an entry in ClinVar:

ClinVar aggregate classification (germline): Benign (1 of 4 stars; one submission).

Allele frequency attached by ClinVar (database versions not stated): 1000 Genomes Project 0.18510; gnomAD 0.20666 and 0.21137; TOPMed 0.21574.

Submission:

GeneDx
Classification: Benign. Last evaluated: 2018-06-14. Review status: criteria provided, single submitter. Criteria: GeneDx Variant Classification (06012015). Collection method: clinical testing. Allele origin: germline. Affected: yes.
Comment: This variant is considered likely benign or benign based on one or more of the following criteria: it is a conservative change, it occurs at a poorly conserved position in the protein, it is predicted to be benign by multiple in silico algorithms, and/or has population frequency not consistent with disease.

NM_001849.4(COL6A2):c.1522-199_1522-198insT

Gene: COL6A2 (collagen type VI alpha 2 chain; plus strand). Cytogenetic location: 21q22.3.
Variant type: Insertion.
Coding change: c.1522-199_1522-198insT on transcript NM_001849.4 (MANE Select); 199 bases into the intron before coding-DNA position 1522 through 198 bases into the intron before coding-DNA position 1522, T inserted.
Molecular consequence: intron variant.
Genome position: GRCh38 VCF-style: chr21-46121909-C-CT. GRCh37 (hg19) VCF-style: chr21-47541823-C-CT.
Other names: c.1522-199_1522-198insT (NM_058175.3, NM_058174.3).
Identifiers: ClinVar variation 680233 (VCV000680233.1), dbSNP rs113533729, ClinGen allele CA321967774.